The following is an entry in ClinVar:

NM_024009.3(GJB3):c.334C>A (p.Gln112Lys)

Gene: GJB3 (gap junction protein beta 3; plus strand). Cytogenetic location: 1p34.3.
Variant type: single nucleotide variant.
Coding change: c.334C>A on transcript NM_024009.3 (MANE Select); coding-DNA position 334, C replaced by A.
Protein change: p.Gln112Lys; replaces glutamine 112 with lysine.
Molecular consequence: missense variant.
Genome position (GRCh38, 1-based): chr1:34,785,096, C>A. VCF-style: chr1-34785096-C-A. GRCh37 (hg19) VCF-style: chr1-35250697-C-A.
Other names: c.334C>A, p.Gln112Lys (NM_001005752.2); short protein forms Q112K.
Identifiers: ClinVar variation 391256 (VCV000391256.9), dbSNP rs544836576, ClinGen allele CA754811.

ClinVar aggregate classification (germline): Conflicting classifications of pathogenicity. Review status: criteria provided, conflicting classifications (1 of 4 stars). 3 submissions from 3 submitters: Uncertain significance (2); Likely benign (1). Last evaluated 2024-05-07.

Conditions:
Inborn genetic diseases. Identifiers: MedGen C0950123, MeSH D030342.

Allele frequency attached by ClinVar (database versions not stated): gnomAD exomes 0.00001; ExAC 0.00002; gnomAD 0.00016 and 0.00017; 1000 Genomes Project 30x 0.00031; TOPMed 0.00031; 1000 Genomes Project 0.00040.
gnomAD v4.1: 36 of 1,614,124 alleles (0.0022%); highest among the groups gnomAD compares: Admixed American, 0.053%; no homozygotes.

Submissions (3):

Ambry Genetics
Classification: Uncertain significance for Inborn genetic diseases. Last evaluated: 2024-05-07. Review status: criteria provided, single submitter. Criteria: Ambry Variant Classification Scheme 2023. Collection method: clinical testing. Allele origin: germline.

Labcorp Genetics (formerly Invitae), Labcorp
Classification: Uncertain significance. Last evaluated: 2022-08-10. Review status: criteria provided, single submitter. Criteria: Invitae Variant Classification Sherloc (09022015). Collection method: clinical testing. Allele origin: germline.
Comment: This sequence change replaces glutamine, which is neutral and polar, with lysine, which is basic and polar, at codon 112 of the GJB3 protein (p.Gln112Lys). This variant is present in population databases (rs544836576, gnomAD 0.01%). This variant has not been reported in the literature in individuals affected with GJB3-related conditions. ClinVar contains an entry for this variant (Variation ID: 391256). Algorithms developed to predict the effect of missense changes on protein structure and function output the following: SIFT: "Tolerated"; PolyPhen-2: "Benign"; Align-GVGD: "Class C0". The lysine amino acid residue is found in multiple mammalian species, which suggests that this missense change does not adversely affect protein function. In summary, the available evidence is currently insufficient to determine the role of this variant in disease. Therefore, it has been classified as a Variant of Uncertain Significance.

GeneDx
Classification: Likely benign. Last evaluated: 2020-12-02. Review status: criteria provided, single submitter. Criteria: GeneDx Variant Classification Process June 2021. Collection method: clinical testing. Allele origin: germline. Affected: yes.
Comment: Has not been previously published as pathogenic or benign to our knowledge